The following is an entry in ClinVar:

NM_000169.3(GLA):c.109del (p.Ala37fs)

Genes: GLA (galactosidase alpha; minus strand), RPL36A-HNRNPH2 (RPL36A-HNRNPH2 readthrough; plus strand). Cytogenetic location: Xq22.1.
Variant type: Deletion.
Coding change: c.109del on transcript NM_000169.3 (MANE Select); coding-DNA position 109, one base deleted (G; older notation c.109delG).
Protein change: p.Ala37fs; shifts the reading frame from alanine 37.
Molecular consequence: frameshift variant. On other transcripts: non-coding transcript variant (3), intron variant (2).
Genome position (GRCh38, 1-based): chrX:101,407,795, C deleted on the plus strand (G on the coding strand, the reverse complement: GLA is on the minus strand); the first of 2 consecutive C bases (chrX:101,407,795-101,407,796); deleting either gives the same sequence. VCF-style (leftmost placement, unchanged base first): chrX-101407794-GC-G. GRCh37 (hg19) VCF-style: chrX-100662782-GC-G.
Other names: c.109del, p.Ala37fs (NM_001406747.1, NM_001406748.1, NM_001406749.1); c.301-4140del (NM_001199973.2); c.178-4140del (NM_001199974.2); short protein forms A37fs.
Identifiers: ClinVar variation 2007834 (VCV002007834.4), dbSNP rs2520944908, ClinGen allele CA2580100114.

ClinVar aggregate classification (germline): Pathogenic (1 of 4 stars; one submission).

Conditions:
Fabry disease. Also called: Fabry's disease; ALPHA-GALACTOSIDASE A DEFICIENCY; ANDERSON-FABRY DISEASE; CERAMIDE TRIHEXOSIDASE DEFICIENCY; GLA DEFICIENCY; HEREDITARY DYSTOPIC LIPIDOSIS. Identifiers: Orphanet 324, MedGen C0002986, MONDO:0010526, OMIM 301500, HP:0001071. Disease mechanism: Fabry disease is due to inactivating mutations in the X-linked GLA gene resulting in deficiency of the enzyme Alpha Galactosidase-A., loss of function.

Submission:

Labcorp Genetics (formerly Invitae), Labcorp
Classification: Pathogenic for Fabry disease. Last evaluated: 2022-06-28. Review status: criteria provided, single submitter. Criteria: Invitae Variant Classification Sherloc (09022015). Collection method: clinical testing. Allele origin: germline.
Comment: For these reasons, this variant has been classified as Pathogenic. This variant has not been reported in the literature in individuals affected with GLA-related conditions. This variant is not present in population databases (gnomAD no frequency). This sequence change creates a premature translational stop signal (p.Ala37Glnfs*84) in the GLA gene. It is expected to result in an absent or disrupted protein product. Loss-of-function variants in GLA are known to be pathogenic (PMID: 10666480, 12175777).

Literature cited by the submitters: PubMed 10666480; PubMed 12175777.